The following is an entry in ClinVar:

ClinVar aggregate classification (germline): Uncertain significance (1 of 4 stars; one submission).

Conditions:
Joubert syndrome. Also called: CEREBELLOPARENCHYMAL DISORDER IV; JOUBERT-BOLTSHAUSER SYNDROME; Familial aplasia of the vermis. Identifiers: Orphanet 475, MedGen C5979921, MONDO:0018772.
Meckel-Gruber syndrome. Also called: DYSENCEPHALIA SPLANCHNOCYSTICA; GRUBER SYNDROME; Dysencephalia splachnocystica. Identifiers: Orphanet 564, MedGen C0265215, MONDO:0018921.

Allele frequency attached by ClinVar (database versions not stated): TOPMed below 0.00001; gnomAD 0.00001; gnomAD exomes 0.00001.
gnomAD v4.1: 5 of 1,609,946 alleles (0.00031%); highest among the groups gnomAD compares: Non-Finnish European, 0.00042%; no homozygotes.

Submission:

Labcorp Genetics (formerly Invitae), Labcorp
Classification: Uncertain significance for Joubert syndrome; Meckel-Gruber syndrome. Last evaluated: 2022-05-18. Review status: criteria provided, single submitter. Criteria: Invitae Variant Classification Sherloc (09022015). Collection method: clinical testing. Allele origin: germline.
Comment: This sequence change replaces asparagine, which is neutral and polar, with serine, which is neutral and polar, at codon 134 of the TCTN1 protein (p.Asn134Ser). This variant is not present in population databases (gnomAD no frequency). This variant has not been reported in the literature in individuals affected with TCTN1-related conditions. Algorithms developed to predict the effect of missense changes on protein structure and function output the following: SIFT: "Tolerated"; PolyPhen-2: "Benign"; Align-GVGD: "Class C0". The serine amino acid residue is found in multiple mammalian species, which suggests that this missense change does not adversely affect protein function. In summary, the available evidence is currently insufficient to determine the role of this variant in disease. Therefore, it has been classified as a Variant of Uncertain Significance.

NM_001082538.3(TCTN1):c.401A>G (p.Asn134Ser)

Gene: TCTN1 (tectonic family member 1; plus strand). Cytogenetic location: 12q24.11.
Variant type: single nucleotide variant.
Coding change: c.401A>G on transcript NM_001082538.3 (MANE Select); coding-DNA position 401, A replaced by G.
Protein change: p.Asn134Ser; replaces asparagine 134 with serine.
Molecular consequence: missense variant. On other transcripts: 5 prime UTR variant (1), non-coding transcript variant (1).
Genome position (GRCh38, 1-based): chr12:110,626,421, A>G. VCF-style: chr12-110626421-A-G. GRCh37 (hg19) VCF-style: chr12-111064226-A-G.
Other names: c.401A>G, p.Asn134Ser (NM_001082537.3, NM_001319680.2, NM_024549.6); c.233A>G, p.Asn78Ser (NM_001173975.3, NM_001319682.3); c.221A>G, p.Asn74Ser (NM_001173976.2); c.-307A>G (NM_001319681.2); short protein forms N134S, N74S, N78S.
Identifiers: ClinVar variation 1905391 (VCV001905391.5), dbSNP rs1278024515, ClinGen allele CA386701675.
Genomic context (GRCh38, chr12:110,626,421, plus strand): 5'-GGGGCGACAGCCAGTTTTGTAGTCAAAAAGCAGTCATCTATTCATTGAATTTTACAGCAA[A>G]CCCACCTCAAAGAGTATTTGAACTTGTTGACCAGATTAATCCATCTATTTTCTGCATTCA-3'
Protein context (NP_001076007.1, residues 124-144): AVIYSLNFTA[Asn134Ser]PPQRVFELVD